The following is an entry in ClinVar:

NM_000400.4(ERCC2):c.1552C>T (p.Arg518Trp)

Gene: ERCC2 (ERCC excision repair 2, TFIIH core complex helicase subunit; minus strand). Cytogenetic location: 19q13.32.
Variant type: single nucleotide variant.
Coding change: c.1552C>T on transcript NM_000400.4 (MANE Select); coding-DNA position 1552, C replaced by T.
Protein change: p.Arg518Trp; replaces arginine 518 with tryptophan.
Molecular consequence: missense variant.
Genome position (GRCh38, 1-based): chr19:45,354,843, G>A on the plus strand (C>T on the coding strand, the complement: ERCC2 is on the minus strand). VCF-style: chr19-45354843-G-A. GRCh37 (hg19) VCF-style: chr19-45858101-G-A.
Other names: short protein forms R518W.
Identifiers: ClinVar variation 1775082 (VCV001775082.5), dbSNP rs778075234, ClinGen allele CA9513200.

ClinVar aggregate classification (germline): Uncertain significance. Review status: criteria provided, multiple submitters, no conflicts (2 of 4 stars). 2 submissions from 2 submitters: Uncertain significance (2). Last evaluated 2023-08-04.

Conditions:
Inborn genetic diseases. Identifiers: MedGen C0950123, MeSH D030342.

Allele frequency attached by ClinVar (database versions not stated): ExAC 0.00001; gnomAD 0.00001; gnomAD exomes 0.00001; TOPMed 0.00001.

Submissions (2):

Ambry Genetics
Classification: Uncertain significance for Inborn genetic diseases. Last evaluated: 2023-08-04. Review status: criteria provided, single submitter. Criteria: Ambry Variant Classification Scheme 2023. Collection method: clinical testing. Allele origin: germline.
Comment: The p.R518W variant (also known as c.1552C>T), located in coding exon 17 of the ERCC2 gene, results from a C to T substitution at nucleotide position 1552. The arginine at codon 518 is replaced by tryptophan, an amino acid with dissimilar properties. This amino acid position is conserved. In addition, this alteration is predicted to be deleterious by in silico analysis. Since supporting evidence is limited at this time, the clinical significance of this alteration remains unclear.

Labcorp Genetics (formerly Invitae), Labcorp
Classification: Uncertain significance. Last evaluated: 2022-10-13. Review status: criteria provided, single submitter. Criteria: Invitae Variant Classification Sherloc (09022015). Collection method: clinical testing. Allele origin: germline.
Comment: This sequence change replaces arginine, which is basic and polar, with tryptophan, which is neutral and slightly polar, at codon 518 of the ERCC2 protein (p.Arg518Trp). This variant is present in population databases (rs778075234, gnomAD 0.007%). This variant has not been reported in the literature in individuals affected with ERCC2-related conditions. Advanced modeling of protein sequence and biophysical properties (such as structural, functional, and spatial information, amino acid conservation, physicochemical variation, residue mobility, and thermodynamic stability) performed at Invitae indicates that this missense variant is expected to disrupt ERCC2 protein function. In summary, the available evidence is currently insufficient to determine the role of this variant in disease. Therefore, it has been classified as a Variant of Uncertain Significance.